The following is an entry in ClinVar:

ClinVar aggregate classification (germline): Likely benign (1 of 4 stars; one submission).

Submission:

GeneDx
Classification: Likely benign. Last evaluated: 2021-05-25. Review status: criteria provided, single submitter. Criteria: GeneDx Variant Classification Process June 2021. Collection method: clinical testing. Allele origin: germline. Affected: yes.
Comment: See Variant Classification Assertion Criteria.

NM_000494.4(COL17A1):c.52+65_52+66del

Gene: COL17A1 (collagen type XVII alpha 1 chain; minus strand). Cytogenetic location: 10q25.1.
Variant type: Deletion.
Coding change: c.52+65_52+66del on transcript NM_000494.4 (MANE Select); bases 65 to 66 of the intron after coding-DNA position 52, 2 bases deleted (GA; older notation c.52+65_52+66delGA).
Molecular consequence: intron variant.
Genome position (GRCh38, 1-based): chr10:104,080,556-104,080,557, TC deleted on the plus strand (GA on the coding strand, the reverse complement: COL17A1 is on the minus strand); deleting any 2 consecutive bases within chr10:104,080,556-104,080,558 gives the same sequence; the c. name uses the placement nearest the transcript's 3' end. VCF-style (leftmost placement, unchanged base first): chr10-104080555-TTC-T. GRCh37 (hg19) VCF-style: chr10-105840313-TTC-T.
Identifiers: ClinVar variation 4813962 (VCV004813962.1).